The following is an entry in ClinVar:

ClinVar aggregate classification (germline): Uncertain significance (1 of 4 stars; one submission).

Allele frequency attached by ClinVar (database versions not stated): gnomAD 0.00001 and 0.00005; TOPMed 0.00001; gnomAD exomes 0.00003 and 0.00006; ExAC 0.00008; 1000 Genomes Project 30x 0.00016; 1000 Genomes Project 0.00020.
gnomAD v4.1: 49 of 1,614,130 alleles (0.003%); highest among the groups gnomAD compares: South Asian, 0.041%; no homozygotes.

Submission:

Labcorp Genetics (formerly Invitae), Labcorp
Classification: Uncertain significance. Last evaluated: 2025-02-05. Review status: criteria provided, single submitter. Criteria: Invitae Variant Classification Sherloc (09022015). Collection method: clinical testing. Allele origin: germline.
Comment: This sequence change replaces leucine, which is neutral and non-polar, with phenylalanine, which is neutral and non-polar, at codon 1809 of the ATR protein (p.Leu1809Phe). This variant is present in population databases (rs541388907, gnomAD 0.05%). This missense change has been observed in individual(s) with craniosynostosis (PMID: 29168297). ClinVar contains an entry for this variant (Variation ID: 863953). An algorithm developed to predict the effect of missense changes on protein structure and function (PolyPhen-2) suggests that this variant is likely to be disruptive. In summary, the available evidence is currently insufficient to determine the role of this variant in disease. Therefore, it has been classified as a Variant of Uncertain Significance.

Literature cited by the submitters: PubMed 29168297.

NM_001184.4(ATR):c.5427A>T (p.Leu1809Phe)

Gene: ATR (ATR checkpoint kinase; minus strand). Cytogenetic location: 3q23.
Variant type: single nucleotide variant.
Coding change: c.5427A>T on transcript NM_001184.4 (MANE Select); coding-DNA position 5427, A replaced by T.
Protein change: p.Leu1809Phe; replaces leucine 1809 with phenylalanine.
Molecular consequence: missense variant.
Genome position (GRCh38, 1-based): chr3:142,498,728, T>A on the plus strand (A>T on the coding strand, the complement: ATR is on the minus strand). VCF-style: chr3-142498728-T-A. GRCh37 (hg19) VCF-style: chr3-142217570-T-A.
Other names: c.5235A>T, p.Leu1745Phe (NM_001354579.2); short protein forms L1745F, L1809F.
Identifiers: ClinVar variation 863953 (VCV000863953.9), dbSNP rs541388907, ClinGen allele CA2649611.